The following is an entry in ClinVar:

NM_002468.5(MYD88):c.36C>G (p.Ala12=)

Gene: MYD88 (MYD88 innate immune signal transduction adaptor; plus strand). Cytogenetic location: 3p22.2.
Variant type: single nucleotide variant.
Coding change: c.36C>G on transcript NM_002468.5 (MANE Select); coding-DNA position 36, C replaced by G.
Protein change: p.Ala12=; no amino-acid change (alanine 12 retained).
Molecular consequence: synonymous variant.
Genome position (GRCh38, 1-based): chr3:38,138,736, C>G. VCF-style: chr3-38138736-C-G. GRCh37 (hg19) VCF-style: chr3-38180227-C-G.
Other names: c.36C>G, p.Ala12= (NM_001172566.2, NM_001172567.2, NM_001172568.2 and 3 more transcripts).
Identifiers: ClinVar variation 537305 (VCV000537305.14), dbSNP rs79867863, ClinGen allele CA2316018.

ClinVar aggregate classification (germline): Benign. Review status: criteria provided, multiple submitters, no conflicts (2 of 4 stars). 3 submissions from 3 submitters: Benign (2). 1 of the submissions does not count toward it. Last evaluated 2026-01-22.

Conditions:
MYD88-related disorder. Also called: MYD88-related condition.
Pyogenic bacterial infections due to MyD88 deficiency (IMD68). Also called: PYOGENIC BACTERIAL INFECTIONS, RECURRENT, DUE TO MYD88 DEFICIENCY. Identifiers: Orphanet 183713, MedGen C2677092, MONDO:0012839, OMIM 612260.

Allele frequency attached by ClinVar (database versions not stated): gnomAD exomes 0.00120; TOPMed 0.00516; 1000 Genomes Project 0.00519; ESP Exome Variant Server 0.00533; 1000 Genomes Project 30x 0.00625; ExAC 0.00155; gnomAD 0.00443 and 0.00473.

Submissions (3):

Labcorp Genetics (formerly Invitae), Labcorp
Classification: Benign for Pyogenic bacterial infections due to MyD88 deficiency. Last evaluated: 2026-01-22. Review status: criteria provided, single submitter. Criteria: Invitae Variant Classification Sherloc (09022015). Collection method: clinical testing. Allele origin: germline.

Breakthrough Genomics
Classification: Benign. Review status: criteria provided, single submitter. Criteria: ACMG Guidelines, 2015. Collection method: not provided. Allele origin: germline. Inheritance: Autosomal recessive inheritance. Affected: yes.

PreventionGenetics, part of Exact Sciences
Classification: Benign for MYD88-related condition. Last evaluated: 2019-03-18. Review status: no assertion criteria provided. Collection method: clinical testing. Allele origin: germline. Not counted in ClinVar's aggregate classification.
Comment: This variant is classified as benign based on ACMG/AMP sequence variant interpretation guidelines (Richards et al. 2015 PMID: 25741868, with internal and published modifications).